The following is an entry in ClinVar:

NM_012123.4(MTO1):c.2064dup (p.Glu689fs)

Gene: MTO1 (mitochondrial tRNA translation optimization 1; plus strand). Cytogenetic location: 6q13.
Variant type: Duplication.
Coding change: c.2064dup on transcript NM_012123.4 (MANE Select); coding-DNA position 2064, one base duplicated (A; older notation c.2064dupA).
Protein change: p.Glu689fs; shifts the reading frame from glutamic acid 689.
Molecular consequence: frameshift variant.
Genome position (GRCh38, 1-based): chr6:73,500,720, A duplicated; the last of 2 consecutive A bases (chr6:73,500,719-73,500,720); duplicating either gives the same sequence. VCF-style (leftmost placement, unchanged base first): chr6-73500718-C-CA. GRCh37 (hg19) VCF-style: chr6-74210441-C-CA.
Other names: c.2184dup, p.Glu729fs (NM_001123226.2); c.2139dup, p.Glu714fs (NM_133645.3); short protein forms E714fs, E729fs, E689fs.
Identifiers: ClinVar variation 2859549 (VCV002859549.3), dbSNP rs2533317264, ClinGen allele CA2739273233.

ClinVar aggregate classification (germline): Uncertain significance (1 of 4 stars; one submission).

Conditions:
Mitochondrial hypertrophic cardiomyopathy with lactic acidosis due to MTO1 deficiency. Also called: Combined oxidative phosphorylation deficiency 10; CARDIOMYOPATHY, INFANTILE HYPERTROPHIC MITOCHONDRIAL, AND LACTIC ACIDOSIS. Identifiers: Orphanet 314637, MedGen C4749921, MONDO:0013865, OMIM 614702.

Submission:

Labcorp Genetics (formerly Invitae), Labcorp
Classification: Uncertain significance for Mitochondrial hypertrophic cardiomyopathy with lactic acidosis due to MTO1 deficiency. Last evaluated: 2023-04-26. Review status: criteria provided, single submitter. Criteria: Invitae Variant Classification Sherloc (09022015). Collection method: clinical testing. Allele origin: germline.
Comment: In summary, the available evidence is currently insufficient to determine the role of this variant in disease. Therefore, it has been classified as a Variant of Uncertain Significance. Experimental studies and prediction algorithms are not available or were not evaluated, and the functional significance of this variant is currently unknown. This variant has not been reported in the literature in individuals affected with MTO1-related conditions. This variant is not present in population databases (gnomAD no frequency). This sequence change results in a frameshift in the MTO1 gene (p.Glu689Argfs*10). While this is not anticipated to result in nonsense mediated decay, it is expected to disrupt the last 4 amino acid(s) of the MTO1 protein and extend the protein by 5 additional amino acid residues.